The following is an entry in ClinVar:

ClinVar aggregate classification (germline): Likely pathogenic. Review status: criteria provided, multiple submitters, no conflicts (2 of 4 stars). 8 submissions from 8 submitters: Likely pathogenic (8). Last evaluated 2026-02-24.

Conditions:
Familial cancer of breast. Also called: BREAST CANCER, FAMILIAL; Hereditary breast cancer; hereditary breast carcinoma. Identifiers: Orphanet 227535, MedGen C0346153, MONDO:0016419, OMIM 114480. Disease mechanism: loss of function.
Ataxia-telangiectasia syndrome (AT). Also called: Cerebello-oculocutaneous telangiectasia; Immunodeficiency with ataxia telangiectasia; Ataxia-telangiectasia, complementation group D; AT, COMPLEMENTATION GROUP C; Ataxia-telangiectasia; Ataxia telangiectasia (A-T). Identifiers: Orphanet 100, MedGen C0004135, MONDO:0008840, OMIM 208900.
ATM-related disorder. Also called: ATM-related disorders; ATM-related condition.
Hereditary cancer-predisposing syndrome. Also called: Tumor predisposition; Neoplastic Syndromes, Hereditary; Hereditary Cancer Syndrome; Hereditary neoplastic syndrome. Identifiers: Orphanet 140162, MedGen C0027672, MeSH D009386, MONDO:0015356.

Submissions (8):

Myriad Genetics, Inc.
Classification: Likely pathogenic for Familial cancer of breast. Last evaluated: 2026-02-24. Review status: criteria provided, single submitter. Criteria: Myriad Autosomal Dominant, Autosomal Recessive and X-Linked Classification Criteria (2023). Collection method: clinical testing. Allele origin: unknown.
Comment: This variant is considered likely pathogenic. mRNA analysis has demonstrated abnormal mRNA splicing occurs [Myriad internal data]. This variant has been reported in an individual with clinical features of gene-specific disease [PMID: 10330348]. Functional studies indicate this variant impacts protein function [PMID: 10330348].

Natera, Inc.
Classification: Likely pathogenic for Ataxia-telangiectasia. Last evaluated: 2025-12-01. Review status: criteria provided, single submitter. Criteria: Natera Variant Classification Schema (03/2026). Collection method: clinical testing. Allele origin: germline.
Comment: The c.2921+2dup variant in ATM is a canonical splice donor site variant predicted to affect pre-mRNA splicing, which may result in an abnormal transcript and altered protein product. This variant is expected to result in nonsense mediated decay, truncation, or a dysfunctional protein product. This variant is rare in the general population with a frequency below the threshold expected for the associated phenotype(s). This variant has been observed in one or more individuals affected with the associated recessive disease, as either homozygous or compound heterozygous with a second variant (PMID: 33012025, 15843990, 15503472, 10330348, 10980530). Functional studies show that this variant may disrupt protein function (PMID: 10330348, 10980530). Another variant at this same site results in an alteration predicted to cause a similar molecular effect has been observed in individual(s) with the associated phenotype. Given the available evidence, this variant is classified as Likely Pathogenic.

Ambry Genetics
Classification: Likely pathogenic for Hereditary cancer-predisposing syndrome. Last evaluated: 2025-08-22. Review status: criteria provided, single submitter. Criteria: Ambry Variant Classification Scheme 2023. Collection method: clinical testing. Allele origin: germline.
Comment: The c.2921+2dupT intronic variant, results from a duplication of one nucleotide at nucleotide position 2921 after intron 18 of the ATM gene. This nucleotide position is highly conserved in available vertebrate species. This variant is considered to be rare based on population cohorts in the Genome Aggregation Database (gnomAD). In silico splice site analysis predicts that this alteration will weaken the native splice donor site. RNA studies have demonstrated that this alteration results in abnormal splicing in the set of samples tested (Ambry internal data). Alterations that disrupt the canonical splice site are expected to cause aberrant splicing, resulting in an abnormal protein or a transcript that is subject to nonsense-mediated mRNA decay. As such, this alteration is classified as likely pathogenic.

Labcorp Genetics (formerly Invitae), Labcorp
Classification: Likely pathogenic for Ataxia-telangiectasia syndrome. Last evaluated: 2025-02-10. Review status: criteria provided, single submitter. Criteria: Invitae Variant Classification Sherloc (09022015). Collection method: clinical testing. Allele origin: germline.
Comment: This sequence change falls in intron 19 of the ATM gene. It does not directly change the encoded amino acid sequence of the ATM protein. RNA analysis indicates that this variant induces altered splicing and may result in an absent or altered protein product. This variant is not present in population databases (gnomAD no frequency). This variant has been observed in individual(s) with ataxia-telangiectasia (PMID: 10330348). ClinVar contains an entry for this variant (Variation ID: 633062). Variants that disrupt the consensus splice site are a relatively common cause of aberrant splicing (PMID: 17576681, 9536098). Studies have shown that this variant results in skipping of exon 19, and produces a non-functional protein and/or introduces a premature termination codon (PMID: 10330348). In summary, the currently available evidence indicates that the variant is pathogenic, but additional data are needed to prove that conclusively. Therefore, this variant has been classified as Likely Pathogenic.

Fulgent Genetics
Classification: Likely pathogenic for Familial cancer of breast; Ataxia-telangiectasia syndrome. Last evaluated: 2024-03-30. Review status: criteria provided, single submitter. Criteria: ACMG Guidelines, 2015. Collection method: clinical testing. Allele origin: germline.

Baylor Genetics
Classification: Likely pathogenic for Familial cancer of breast. Last evaluated: 2023-10-30. Review status: criteria provided, single submitter. Criteria: ACMG Guidelines, 2015. Collection method: clinical testing. Allele origin: unknown.

Blueprint Genetics
Classification: Likely pathogenic for ATM-related disorders. Last evaluated: 2022-01-27. Review status: criteria provided, single submitter. Criteria: ACMG Guidelines, 2015. Collection method: clinical testing. Allele origin: germline. Affected: yes. Observed: 1 variant allele.

Women's Health and Genetics/Laboratory Corporation of America, LabCorp
Classification: Likely pathogenic for Ataxia-telangiectasia syndrome. Last evaluated: 2018-12-10. Review status: criteria provided, single submitter. Criteria: LabCorp Variant Classification Summary - May 2015. Collection method: clinical testing. Allele origin: germline.
Comment: Variant summary: ATM c.2921+2dupT alters a conserved nucleotide located close to a canonical splice site and therefore could affect mRNA splicing, leading to a significantly altered protein sequence. Several computational tools predict a significant impact on normal splicing: Four predict the variant abolishes a 5' splicing donor site. At least one publication reports experimental evidence that this variant affects mRNA splicing with exon 21 skipping (Teraoka_1999). The variant was absent in 246110 control chromosomes (gnomAD). The variant, c.2921+2dupT, has been reported in the literature in one homozygote individual affected with Ataxia-Telangiectasia (Teraoka_1999). These data indicate that the variant may be associated with disease. No clinical diagnostic laboratories have submitted clinical-significance assessments for this variant to ClinVar after 2014. Based on the evidence outlined above, the variant was classified as likely pathogenic.

Literature cited by the submitters: PubMed 10330348 (cited by 4 submitters); PubMed 33012025 (cited by Natera, Inc.); PubMed 15843990 (cited by Natera, Inc.); PubMed 15503472 (cited by Natera, Inc.); PubMed 10980530 (cited by Natera, Inc.); PubMed 17576681 (cited by Labcorp Genetics (formerly Invitae), Labcorp); PubMed 9536098 (cited by Labcorp Genetics (formerly Invitae), Labcorp).

NM_000051.4(ATM):c.2921+2dup

Gene: ATM (ATM serine/threonine kinase; plus strand). Cytogenetic location: 11q22.3.
Variant type: Duplication.
Coding change: c.2921+2dup on transcript NM_000051.4 (MANE Select); the canonical splice donor site of the intron after coding-DNA position 2921, one base duplicated (T; older notation c.2921+2dupT).
Molecular consequence: splice donor variant.
Genome position (GRCh38, 1-based): chr11:108,271,148, T duplicated. VCF-style (leftmost placement, unchanged base first): chr11-108271147-G-GT. GRCh37 (hg19) VCF-style: chr11-108141874-G-GT.
Other names: c.2921+2dup (NM_001351834.2, NM_000051.3); c.2921+2dupT (NM_000051.3).
Identifiers: ClinVar variation 633062 (VCV000633062.15), dbSNP rs1565424654, ClinGen allele CA913190094.
Genomic context (GRCh38, chr11:108,271,147, plus strand): 5'-TCCTGGAGAAGAGTACCCCTTGCCAATGGAAGATGTTCTTGAACTTCTGAAACCACTATC[G>GT]TAAGAAATTAAAACCTTATGTTATGTTCACTTTAAAGTTATAAAATAACTGATGTGTTCT-3'